The following is an entry in ClinVar:

NM_001387690.1(KATNAL2):c.339G>A (p.Met113Ile)

Gene: KATNAL2 (katanin catalytic subunit A1 like 2; plus strand). Cytogenetic location: 18q21.1.
Variant type: single nucleotide variant.
Coding change: c.339G>A on transcript NM_001387690.1 (MANE Select); coding-DNA position 339, G replaced by A.
Protein change: p.Met113Ile; replaces methionine 113 with isoleucine.
Molecular consequence: missense variant. On other transcripts: non-coding transcript variant (1).
Genome position (GRCh38, 1-based): chr18:47,058,241, G>A. VCF-style: chr18-47058241-G-A. GRCh37 (hg19) VCF-style: chr18-44584612-G-A.
Other names: c.417G>A, p.Met139Ile (NM_001353899.1, NM_001353902.1); c.414G>A, p.Met138Ile (NM_001353900.1); c.339G>A, p.Met113Ile (NM_001353901.1, NM_001367621.1); c.6G>A, p.Met2Ile (NM_001353903.1, NM_001353904.1, NM_001353905.1 and 4 more transcripts); c.123G>A, p.Met41Ile (NM_031303.3); short protein forms M113I, M138I, M139I, M2I, M41I.
Identifiers: ClinVar variation 4085037 (VCV004085037.8).

ClinVar aggregate classification (germline): Likely benign (1 of 4 stars; one submission).

Submission:

CeGaT Center for Human Genetics Tuebingen
Classification: Likely benign. Last evaluated: 2025-08-01. Review status: criteria provided, single submitter. Criteria: CeGaT Center For Human Genetics Tuebingen Variant Classification Criteria Version 2. Collection method: clinical testing. Allele origin: germline. Affected: yes. Observed: 1 variant allele.
Comment: KATNAL2: BS2